The following is an entry in ClinVar:

ClinVar aggregate classification (germline): Likely pathogenic (1 of 4 stars; one submission).

Conditions:
VPS13A-related neurodegenerative disease. Also called: LEVINE-CRITCHLEY SYNDROME; Choreoacanthocytosis; Chorea-acanthocytosis; ACANTHOCYTOSIS WITH NEUROLOGIC DISORDER; VPS13A Disease; Choreaacanthocytosis. Identifiers: Orphanet 2388, MedGen C0393576, MONDO:0008695, OMIM 200150.

Submission:

Natera, Inc.
Classification: Likely pathogenic for Choreaacanthocytosis. Last evaluated: 2024-11-20. Review status: criteria provided, single submitter. Criteria: Natera Variant Classification Schema (03/2026). Collection method: clinical testing. Allele origin: germline.
Comment: The c.2411_2412del variant in VPS13A is a frameshift variant predicted to shift the reading frame beginning at codon 804 and leads to a stop codon 32 codons downstream. This variant is expected to result in nonsense mediated decay, truncation, or a dysfunctional protein product. This variant is rare in the general population with a frequency below the threshold expected for the associated phenotype(s). Given the available evidence, this variant is classified as Likely Pathogenic.

NM_033305.3(VPS13A):c.2411_2412del (p.Pro804fs)

Gene: VPS13A (vacuolar protein sorting 13 homolog A; plus strand). Cytogenetic location: 9q21.2.
Variant type: Deletion.
Coding change: c.2411_2412del on transcript NM_033305.3 (MANE Select); coding-DNA positions 2411 to 2412, 2 bases deleted (CT; older notation c.2411_2412delCT).
Protein change: p.Pro804fs; shifts the reading frame from proline 804.
Molecular consequence: frameshift variant.
Genome position (GRCh38, 1-based): chr9:77,260,208-77,260,209, CT deleted. VCF-style (leftmost placement, unchanged base first): chr9-77260207-CCT-C. GRCh37 (hg19) VCF-style: chr9-79875123-CCT-C.
Other names: c.2411_2412del, p.Pro804fs (NM_001018038.3, NM_015186.4, NM_001018037.2); short protein forms P804fs.
Identifiers: ClinVar variation 4816385 (VCV004816385.1).
Genomic context (GRCh38, chr9:77,260,207, plus strand): 5'-GGGATTATGGAATTGATTGAAAGCATTCCAAAACCTGAACCAGTAACTGAAGTATCTGCC[CCT>C]GTCAAATCATTCCAGGTAATGTTACTTTCAAAATTAATATAAGCATGAATTAAGAAAGTC-3'